The following is an entry in ClinVar:

ClinVar aggregate classification (germline): Uncertain significance (1 of 4 stars; one submission).

Conditions:
Inborn genetic diseases. Identifiers: MedGen C0950123, MeSH D030342.

gnomAD v4.1: 3 of 1,613,810 alleles (0.00019%); highest among the groups gnomAD compares: African/African-American, 0.004%; no homozygotes.

Submission:

Ambry Genetics
Classification: Uncertain significance for Inborn genetic diseases. Last evaluated: 2026-05-27. Review status: criteria provided, single submitter. Criteria: Ambry Variant Classification Scheme 2023. Collection method: clinical testing. Allele origin: germline.
Comment: The c.3866C>A (p.T1289K) alteration is located in exon 31 (coding exon 29) of the CC2D2A gene. This alteration results from a C to A substitution at nucleotide position 3866, causing the threonine (T) at amino acid position 1289 to be replaced by a lysine (K). Based on data from gnomAD, the A allele has an overall frequency of 0.006% (2/31398) total alleles studied. The highest observed frequency was 0.023% (2/8712) of African alleles. Based on insufficient or conflicting evidence, the clinical significance of this alteration remains unclear.

NM_001378615.1(CC2D2A):c.3866C>A (p.Thr1289Lys)

Genes: CC2D2A (coiled-coil and C2 domain containing 2A; plus strand), FBXL5 (F-box and leucine rich repeat protein 5; minus strand). Cytogenetic location: 4p15.32.
Variant type: single nucleotide variant.
Coding change: c.3866C>A on transcript NM_001378615.1 (MANE Select); coding-DNA position 3866, C replaced by A.
Protein change: p.Thr1289Lys; replaces threonine 1289 with lysine.
Molecular consequence: missense variant.
Genome position (GRCh38, 1-based): chr4:15,580,062, C>A. VCF-style: chr4-15580062-C-A. GRCh37 (hg19) VCF-style: chr4-15581685-C-A.
Other names: c.3866C>A, p.Thr1289Lys (NM_001080522.2); c.3719C>A, p.Thr1240Lys (NM_001378617.1); short protein forms T1240K, T1289K.
Identifiers: ClinVar variation 4868293 (VCV004868293.1).